The following is an entry in ClinVar:

NM_001273.5(CHD4):c.156GAA[2] (p.Lys56del)

Gene: CHD4 (chromodomain helicase DNA binding protein 4; minus strand). Cytogenetic location: 12p13.31.
Variant type: Microsatellite.
Coding change: c.156GAA[2] on transcript NM_001273.5 (MANE Select); two copies in a row of the 3-base unit GAA starting at c.156; the reference has three copies in a row; one copy, 3 bases deleted.
Protein change: p.Lys56del; deletes lysine 56.
Molecular consequence: inframe deletion.
Genome position (GRCh38, 1-based): chr12:6,602,434-6,602,436, TTC deleted on the plus strand (GAA on the coding strand, the reverse complement: CHD4 is on the minus strand); deleting any 3 consecutive bases within chr12:6,602,434-6,602,444 gives the same sequence; the position shown is the placement nearest the transcript's 3' end. VCF-style (leftmost placement, unchanged base first): chr12-6602433-TTTC-T. GRCh37 (hg19) VCF-style: chr12-6711599-TTTC-T.
Other names: c.156GAA[2], p.Lys56del (NM_001297553.2, NM_001363606.2); short protein forms K56del.
Identifiers: ClinVar variation 2575882 (VCV002575882.1), dbSNP rs1948613406, ClinGen allele CA2014154666.

ClinVar aggregate classification (germline): Uncertain significance (1 of 4 stars; one submission).

Submission:

GeneDx
Classification: Uncertain significance. Last evaluated: 2023-08-10. Review status: criteria provided, single submitter. Criteria: GeneDx Variant Classification Process June 2021. Collection method: clinical testing. Allele origin: germline. Affected: yes.
Comment: Not observed at significant frequency in large population cohorts (gnomAD); In silico analysis supports a deleterious effect on protein structure/function; In-frame deletion of one amino acid in a repetitive region with no known function; Has not been previously published as pathogenic or benign to our knowledge